The following is an entry in ClinVar:

NM_014780.5(CUL7):c.509T>G (p.Leu170Trp)

Gene: CUL7 (cullin 7; minus strand). Cytogenetic location: 6p21.1.
Variant type: single nucleotide variant.
Coding change: c.509T>G on transcript NM_014780.5 (MANE Select); coding-DNA position 509, T replaced by G.
Protein change: p.Leu170Trp; replaces leucine 170 with tryptophan.
Molecular consequence: missense variant.
Genome position (GRCh38, 1-based): chr6:43,052,280, A>C on the plus strand (T>G on the coding strand, the complement: CUL7 is on the minus strand). VCF-style: chr6-43052280-A-C. GRCh37 (hg19) VCF-style: chr6-43020018-A-C.
Other names: c.509T>G, p.Leu170Trp (NM_001168370.2, NM_001374872.1, NM_001374873.1 and 1 more transcripts); short protein forms L170W.
Identifiers: ClinVar variation 597015 (VCV000597015.15), dbSNP rs138430226, ClinGen allele CA3814382.

ClinVar aggregate classification (germline): Uncertain significance. Review status: criteria provided, multiple submitters, no conflicts (2 of 4 stars). 5 submissions from 5 submitters: Uncertain significance (5). Last evaluated 2026-01-14.

Conditions:
3M syndrome 1. Also called: 3-M Syndrome, CUL7-Related. Identifiers: Orphanet 2616, MedGen C2678312, MONDO:0010117, OMIM 273750.
Inborn genetic diseases. Identifiers: MedGen C0950123, MeSH D030342.

Allele frequency attached by ClinVar (database versions not stated): gnomAD exomes 0.00004 and 0.00012; gnomAD 0.00006 and 0.00007; ESP Exome Variant Server 0.00008; TOPMed 0.00009; ExAC 0.00011; 1000 Genomes Project 30x 0.00016; 1000 Genomes Project 0.00020.

Submissions (5):

Women's Health and Genetics/Laboratory Corporation of America, LabCorp
Classification: Uncertain significance. Last evaluated: 2026-01-14. Review status: criteria provided, single submitter. Criteria: LabCorp Variant Classification Summary - May 2015. Collection method: clinical testing. Allele origin: germline.
Comment: Variant summary: CUL7 c.509T>G (p.Leu170Trp) results in a non-conservative amino acid change in the encoded protein sequence. Algorithms developed to predict the effect of missense changes on protein structure and function are either unavailable or do not agree on the potential impact of this missense change. The variant allele was found at a frequency of 0.00012 in 251456 control chromosomes. This frequency is not significantly higher than estimated for disease-causing variants in CUL7, allowing no conclusion about variant significance. To our knowledge, no occurrence of c.509T>G in individuals affected with CUL7-related conditions and no experimental evidence demonstrating its impact on protein function have been reported. ClinVar contains an entry for this variant (Variation ID: 597015). Based on the evidence outlined above, the variant was classified as uncertain significance.

Ambry Genetics
Classification: Uncertain significance for Inborn genetic diseases. Last evaluated: 2025-03-27. Review status: criteria provided, single submitter. Criteria: Ambry Variant Classification Scheme 2023. Collection method: clinical testing. Allele origin: germline.

Labcorp Genetics (formerly Invitae), Labcorp
Classification: Uncertain significance. Last evaluated: 2022-06-14. Review status: criteria provided, single submitter. Criteria: Invitae Variant Classification Sherloc (09022015). Collection method: clinical testing. Allele origin: germline.
Comment: In summary, the available evidence is currently insufficient to determine the role of this variant in disease. Therefore, it has been classified as a Variant of Uncertain Significance. Algorithms developed to predict the effect of missense changes on protein structure and function are either unavailable or do not agree on the potential impact of this missense change (SIFT: "Deleterious"; PolyPhen-2: "Probably Damaging"; Align-GVGD: "Class C0"). ClinVar contains an entry for this variant (Variation ID: 597015). This variant has not been reported in the literature in individuals affected with CUL7-related conditions. This variant is present in population databases (rs138430226, gnomAD 0.1%). This sequence change replaces leucine, which is neutral and non-polar, with tryptophan, which is neutral and slightly polar, at codon 170 of the CUL7 protein (p.Leu170Trp).

Eurofins Ntd Llc (ga)
Classification: Uncertain significance. Last evaluated: 2018-05-15. Review status: criteria provided, single submitter. Criteria: EGL ClinVar v180209 classification definitions. Collection method: clinical testing. Allele origin: germline. Observed: 1 variant allele, 1 heterozygote.

Illumina Laboratory Services, Illumina
Classification: Uncertain significance for 3M syndrome 1. Last evaluated: 2018-01-13. Review status: criteria provided, single submitter. Criteria: ICSL Variant Classification Criteria 13 December 2019. Collection method: clinical testing. Allele origin: germline.